The following is an entry in ClinVar:

NM_018109.4(MTPAP):c.1228G>T (p.Asp410Tyr)

Gene: MTPAP (mitochondrial poly(A) polymerase; minus strand). Cytogenetic location: 10p11.23.
Variant type: single nucleotide variant.
Coding change: c.1228G>T on transcript NM_018109.4 (MANE Select); coding-DNA position 1228, G replaced by T.
Protein change: p.Asp410Tyr; replaces aspartic acid 410 with tyrosine.
Molecular consequence: missense variant.
Genome position (GRCh38, 1-based): chr10:30,316,202, C>A on the plus strand (G>T on the coding strand, the complement: MTPAP is on the minus strand). VCF-style: chr10-30316202-C-A. GRCh37 (hg19) VCF-style: chr10-30605131-C-A.
Other names: short protein forms D410Y.
Identifiers: ClinVar variation 1807064 (VCV001807064.2), dbSNP rs756734198, ClinGen allele CA5459001.

ClinVar aggregate classification (germline): Uncertain significance. Review status: criteria provided, multiple submitters, no conflicts (2 of 4 stars). 2 submissions from 2 submitters: Uncertain significance (2). Last evaluated 2023-09-19.

Allele frequency attached by ClinVar (database versions not stated): gnomAD exomes below 0.00001; ExAC 0.00001; gnomAD 0.00001; TOPMed 0.00001.

Submissions (2):

GeneDx
Classification: Uncertain significance. Last evaluated: 2023-09-19. Review status: criteria provided, single submitter. Criteria: GeneDx Variant Classification Process June 2021. Collection method: clinical testing. Allele origin: germline. Affected: yes.
Comment: Not observed at significant frequency in large population cohorts (gnomAD); In silico analysis supports that this missense variant has a deleterious effect on protein structure/function; Has not been previously published as pathogenic or benign to our knowledge

Athena Diagnostics
Classification: Uncertain significance. Last evaluated: 2021-09-27. Review status: criteria provided, single submitter. Criteria: Athena Diagnostics Criteria. Collection method: clinical testing. Allele origin: unknown.